The following is an entry in ClinVar:

ClinVar aggregate classification (germline): Pathogenic (1 of 4 stars; one submission).

Submission:

Labcorp Genetics (formerly Invitae), Labcorp
Classification: Pathogenic. Last evaluated: 2023-12-12. Review status: criteria provided, single submitter. Criteria: Invitae Variant Classification Sherloc (09022015). Collection method: clinical testing. Allele origin: germline.
Comment: This sequence change creates a premature translational stop signal (p.His4029Thrfs*5) in the USH2A gene. It is expected to result in an absent or disrupted protein product. Loss-of-function variants in USH2A are known to be pathogenic (PMID: 10729113, 10909849, 20507924, 25649381). This variant is not present in population databases (gnomAD no frequency). This variant has not been reported in the literature in individuals affected with USH2A-related conditions. For these reasons, this variant has been classified as Pathogenic.

Literature cited by the submitters: PubMed 10729113; PubMed 10909849; PubMed 20507924; PubMed 25649381.

NM_206933.4(USH2A):c.12085del (p.His4029fs)

Gene: USH2A (usherin; minus strand). Cytogenetic location: 1q41.
Variant type: Deletion.
Coding change: c.12085del on transcript NM_206933.4 (MANE Select); coding-DNA position 12085, one base deleted (C; older notation c.12085delC).
Protein change: p.His4029fs; shifts the reading frame from histidine 4029.
Molecular consequence: frameshift variant.
Genome position (GRCh38, 1-based): chr1:215,680,358, G deleted on the plus strand (C on the coding strand, the reverse complement: USH2A is on the minus strand); the first of 3 consecutive G bases (chr1:215,680,358-215,680,360); deleting any one gives the same sequence. VCF-style (leftmost placement, unchanged base first): chr1-215680357-TG-T. GRCh37 (hg19) VCF-style: chr1-215853699-TG-T.
Other names: short protein forms H4029fs.
Identifiers: ClinVar variation 2702622 (VCV002702622.3), dbSNP rs2464915353, ClinGen allele CA2697554906.